The following is an entry in ClinVar:

NM_001374736.1(DST):c.4743G>A (p.Met1581Ile)

Gene: DST (dystonin; minus strand). Cytogenetic location: 6p12.1.
Variant type: single nucleotide variant.
Coding change: c.4743G>A on transcript NM_001374736.1 (MANE Select); coding-DNA position 4743, G replaced by A.
Protein change: p.Met1581Ile; replaces methionine 1581 with isoleucine.
Molecular consequence: missense variant.
Genome position (GRCh38, 1-based): chr6:56,625,244, C>T on the plus strand (G>A on the coding strand, the complement: DST is on the minus strand). VCF-style: chr6-56625244-C-T. GRCh37 (hg19) VCF-style: chr6-56490042-C-T.
Other names: c.4644G>A, p.Met1548Ile (NM_001144769.5); c.4230G>A, p.Met1410Ile (NM_001144770.2); c.4743G>A, p.Met1581Ile (NM_001374722.1); c.4110G>A, p.Met1370Ile (NM_001374729.1, NM_001374730.1, NM_001386100.1 and 1 more transcripts); c.4770G>A, p.Met1590Ile (NM_001374734.1); c.3132G>A, p.Met1044Ile (NM_001723.7, NM_015548.5); short protein forms M1370I, M1044I, M1581I, M1410I, M1548I, M1590I.
Identifiers: ClinVar variation 2002803 (VCV002002803.4), dbSNP rs1385093765, ClinGen allele CA364572862.

ClinVar aggregate classification (germline): Uncertain significance (1 of 4 stars; one submission).

Conditions:
Hereditary sensory and autonomic neuropathy type 6. Also called: HSAN VI; Neuropathy, hereditary sensory and autonomic, type VI. Identifiers: Orphanet 314381, MedGen C3539003, MONDO:0013839, OMIM 614653.
Epidermolysis bullosa simplex 3, localized or generalized intermediate, with BP230 deficiency (EBS3). Also called: Epidermolysis bullosa simplex due to BP230 deficiency; Epidermolysis bullosa simplex, autosomal recessive 2. Identifiers: Orphanet 412181, MedGen C3809470, MONDO:0014180, OMIM 615425.

Allele frequency attached by ClinVar (database versions not stated): gnomAD exomes below 0.00001.

Submission:

Labcorp Genetics (formerly Invitae), Labcorp
Classification: Uncertain significance for Epidermolysis bullosa simplex 3, localized or generalized intermediate, with BP230 deficiency; Hereditary sensory and autonomic neuropathy type 6. Last evaluated: 2022-06-08. Review status: criteria provided, single submitter. Criteria: Invitae Variant Classification Sherloc (09022015). Collection method: clinical testing. Allele origin: germline.
Comment: In summary, the available evidence is currently insufficient to determine the role of this variant in disease. Therefore, it has been classified as a Variant of Uncertain Significance. Algorithms developed to predict the effect of missense changes on protein structure and function are either unavailable or do not agree on the potential impact of this missense change (SIFT: "Deleterious"; PolyPhen-2: "Probably Damaging"; Align-GVGD: "Class C0"). This variant has not been reported in the literature in individuals affected with DST-related conditions. This variant is present in population databases (no rsID available, gnomAD 0.0009%). This sequence change replaces methionine, which is neutral and non-polar, with isoleucine, which is neutral and non-polar, at codon 1044 of the DST protein (p.Met1044Ile).